The following is an entry in ClinVar:

NM_002225.5(IVD):c.272del (p.Gly91fs)

Gene: IVD (isovaleryl-CoA dehydrogenase; plus strand). Cytogenetic location: 15q15.1.
Variant type: Deletion.
Coding change: c.272del on transcript NM_002225.5 (MANE Select); coding-DNA position 272, one base deleted (G; older notation c.272delG).
Protein change: p.Gly91fs; shifts the reading frame from glycine 91.
Molecular consequence: frameshift variant. On other transcripts: non-coding transcript variant (1).
Genome position (GRCh38, 1-based): chr15:40,407,976, G deleted; the last of 3 consecutive G bases (chr15:40,407,974-40,407,976); deleting any one gives the same sequence. VCF-style (leftmost placement, unchanged base first): chr15-40407973-TG-T. GRCh37 (hg19) VCF-style: chr15-40700172-TG-T.
Other names: c.281del (NM_002225.3); c.182del, p.Gly61fs (NM_001159508.3); c.224del, p.Gly75fs (NM_001354597.3); c.272del, p.Gly91fs (NM_001354598.3, NM_001354601.3); c.359del, p.Gly120fs (NM_001354599.3, NM_001354600.3); short protein forms G120fs, G61fs, G75fs, G91fs.
Identifiers: ClinVar variation 1725997 (VCV001725997.3), dbSNP rs2542649798, ClinGen allele CA2580089360.

ClinVar aggregate classification (germline): Likely pathogenic. Review status: criteria provided, multiple submitters, no conflicts (2 of 4 stars). 2 submissions from 2 submitters: Likely pathogenic (2). Last evaluated 2024-07-15.

Conditions:
Isovaleryl-CoA dehydrogenase deficiency (IVA). Also called: ISOVALERIC ACID CoA DEHYDROGENASE DEFICIENCY; Classic Isovaleric Acidemia; Isovaleric acidemia; IVD DEFICIENCY. Identifiers: Orphanet 33, MedGen C0268575, MONDO:0009475, OMIM 243500.

Submissions (2):

Natera, Inc.
Classification: Likely pathogenic for Isovaleryl-coa dehydrogenase deficiency. Last evaluated: 2024-07-15. Review status: criteria provided, single submitter. Criteria: Natera Variant Classification Schema (03/2026). Collection method: clinical testing. Allele origin: germline.
Comment: The c.281del variant in IVD is a frameshift variant predicted to shift the reading frame beginning at codon 94 and leads to a stop codon 21 codons downstream. This variant is expected to result in nonsense mediated decay, truncation, or a dysfunctional protein product. This variant is rare in the general population with a frequency below the threshold expected for the associated phenotype(s). Given the available evidence, this variant is classified as Likely Pathogenic.

Myriad Genetics, Inc.
Classification: Likely pathogenic for Isovaleryl-CoA dehydrogenase deficiency. Last evaluated: 2022-05-01. Review status: criteria provided, single submitter. Criteria: Myriad Women's Health Autosomal Recessive and X-Linked Classification Criteria (2021). Collection method: clinical testing. Allele origin: unknown.
Comment: NM_002225.3(IVD):c.281delG(G94Afs*21) is expected to be pathogenic in the context of isovaleric acidemia. This variant is predicted to lead to an abnormal or absent protein product due to the creation of a premature termination codon in IVD, a gene where loss-of-function variants are known to be pathogenic. Please note: this variant was assessed in the context of healthy population screening.